The following is an entry in ClinVar:

ClinVar aggregate classification (germline): Uncertain significance. Review status: criteria provided, multiple submitters, no conflicts (2 of 4 stars). 2 submissions from 2 submitters: Uncertain significance (2). Last evaluated 2025-08-04.

Conditions:
Hereditary cancer-predisposing syndrome. Also called: Neoplastic Syndromes, Hereditary; Hereditary Cancer Syndrome; Tumor predisposition; Hereditary neoplastic syndrome. Identifiers: Orphanet 140162, MedGen C0027672, MeSH D009386, MONDO:0015356.
Ataxia-telangiectasia syndrome (AT). Also called: LOUIS-BAR SYNDROME; Cerebello-oculocutaneous telangiectasia; Immunodeficiency with ataxia telangiectasia; Ataxia-telangiectasia, complementation group D; AT, COMPLEMENTATION GROUP C; Ataxia-telangiectasia, complementation group E. Identifiers: Orphanet 100, MedGen C0004135, MONDO:0008840, OMIM 208900.

Allele frequency attached by ClinVar (database versions not stated): gnomAD exomes below 0.00001.
gnomAD v4.1: 1 of 1,614,068 alleles (0.000062%); highest among the groups gnomAD compares: Non-Finnish European, 0.000085%; no homozygotes.

Submissions (2):

Ambry Genetics
Classification: Uncertain significance for Hereditary cancer-predisposing syndrome. Last evaluated: 2025-08-04. Review status: criteria provided, single submitter. Criteria: Ambry Variant Classification Scheme 2023. Collection method: clinical testing. Allele origin: germline.
Comment: The p.L2910F variant (also known as c.8728C>T), located in coding exon 59 of the ATM gene, results from a C to T substitution at nucleotide position 8728. The leucine at codon 2910 is replaced by phenylalanine, an amino acid with highly similar properties. This amino acid position is highly conserved in available vertebrate species. In addition, this alteration is predicted to be deleterious by in silico analysis. Since supporting evidence is limited at this time, the clinical significance of this alteration remains unclear.

Labcorp Genetics (formerly Invitae), Labcorp
Classification: Uncertain significance for Ataxia-telangiectasia syndrome. Last evaluated: 2024-10-16. Review status: criteria provided, single submitter. Criteria: Invitae Variant Classification Sherloc (09022015). Collection method: clinical testing. Allele origin: germline.
Comment: This sequence change replaces leucine, which is neutral and non-polar, with phenylalanine, which is neutral and non-polar, at codon 2910 of the ATM protein (p.Leu2910Phe). This variant is not present in population databases (gnomAD no frequency). This variant has not been reported in the literature in individuals affected with ATM-related conditions. ClinVar contains an entry for this variant (Variation ID: 482704). Invitae Evidence Modeling of protein sequence and biophysical properties (such as structural, functional, and spatial information, amino acid conservation, physicochemical variation, residue mobility, and thermodynamic stability) has been performed for this missense variant. However, the output from this modeling did not meet the statistical confidence thresholds required to predict the impact of this variant on ATM protein function. In summary, the available evidence is currently insufficient to determine the role of this variant in disease. Therefore, it has been classified as a Variant of Uncertain Significance.

NM_000051.4(ATM):c.8728C>T (p.Leu2910Phe)

Genes: ATM (ATM serine/threonine kinase; plus strand), C11orf65 (chromosome 11 open reading frame 65; minus strand). Cytogenetic location: 11q22.3.
Variant type: single nucleotide variant.
Coding change: c.8728C>T on transcript NM_000051.4 (MANE Select); coding-DNA position 8728, C replaced by T.
Protein change: p.Leu2910Phe; replaces leucine 2910 with phenylalanine.
Molecular consequence: missense variant. On other transcripts: intron variant (2).
Genome position (GRCh38, 1-based): chr11:108,353,822, C>T. VCF-style: chr11-108353822-C-T. GRCh37 (hg19) VCF-style: chr11-108224549-C-T.
Other names: c.8728C>T, p.Leu2910Phe (NM_001351834.2); c.640+32098G>A (NM_001330368.2); c.695-18530G>A (NM_001351110.2); short protein forms L2910F.
Identifiers: ClinVar variation 482704 (VCV000482704.11), dbSNP rs1555142851, ClinGen allele CA382523899.